The following is an entry in ClinVar:

ClinVar aggregate classification (germline): Uncertain significance (1 of 4 stars; one submission).

Conditions:
EGFR-related lung cancer (EGFR). Identifiers: MedGen CN130014.

Submission:

Labcorp Genetics (formerly Invitae), Labcorp
Classification: Uncertain significance for EGFR-related lung cancer. Last evaluated: 2023-09-05. Review status: criteria provided, single submitter. Criteria: Invitae Variant Classification Sherloc (09022015). Collection method: clinical testing. Allele origin: germline.
Comment: In summary, the available evidence is currently insufficient to determine the role of this variant in disease. Therefore, it has been classified as a Variant of Uncertain Significance. Advanced modeling of protein sequence and biophysical properties (such as structural, functional, and spatial information, amino acid conservation, physicochemical variation, residue mobility, and thermodynamic stability) performed at Invitae indicates that this missense variant is not expected to disrupt EGFR protein function. This variant has not been reported in the literature in individuals affected with EGFR-related conditions. This variant is not present in population databases (gnomAD no frequency). This sequence change replaces glutamic acid, which is acidic and polar, with glutamine, which is neutral and polar, at codon 872 of the EGFR protein (p.Glu872Gln).

NM_005228.5(EGFR):c.2614G>C (p.Glu872Gln)

Gene: EGFR (epidermal growth factor receptor; plus strand). Cytogenetic location: 7p11.2.
Variant type: single nucleotide variant.
Coding change: c.2614G>C on transcript NM_005228.5 (MANE Select); coding-DNA position 2614, G replaced by C.
Protein change: p.Glu872Gln; replaces glutamic acid 872 with glutamine.
Molecular consequence: missense variant.
Genome position (GRCh38, 1-based): chr7:55,191,863, G>C. VCF-style: chr7-55191863-G-C. GRCh37 (hg19) VCF-style: chr7-55259556-G-C.
Other names: c.2479G>C, p.Glu827Gln (NM_001346897.2, NM_001346899.2); c.2614G>C, p.Glu872Gln (NM_001346898.2); c.2455G>C, p.Glu819Gln (NM_001346900.2); c.1813G>C, p.Glu605Gln (NM_001346941.2); short protein forms E605Q, E819Q, E827Q, E872Q.
Identifiers: ClinVar variation 2808616 (VCV002808616.3), dbSNP rs2128964707, ClinGen allele CA367580358.
Genomic context (GRCh38, chr7:55,191,863, plus strand): 5'-AAGATCACAGATTTTGGGCTGGCCAAACTGCTGGGTGCGGAAGAGAAAGAATACCATGCA[G>C]AAGGAGGCAAAGTAAGGAGGTGGCTTTAGGTCAGCCAGCATTTTCCTGACACCAGGGACC-3'
Protein context (NP_005219.2, residues 862-882): LGAEEKEYHA[Glu872Gln]GGKVPIKWMA